The following is an entry in ClinVar:

NM_003476.5(CSRP3):c.282-5_285del

Gene: CSRP3 (cysteine and glycine rich protein 3; minus strand). Cytogenetic location: 11p15.1.
Variant type: Deletion.
Coding change: c.282-5_285del on transcript NM_003476.5 (MANE Select); 5 bases into the intron before coding-DNA position 282 through coding-DNA position 285, 9 bases deleted (AACAGGTCC; older notation c.282-5_285delAACAGGTCC).
Molecular consequence: splice acceptor variant.
Genome position (GRCh38, 1-based): chr11:19,186,345-19,186,353, GGACCTGTT deleted on the plus strand (AACAGGTCC on the coding strand, the reverse complement: CSRP3 is on the minus strand); deleting any 9 consecutive bases within chr11:19,186,345-19,186,356 gives the same sequence; the c. name uses the placement nearest the transcript's 3' end. VCF-style (leftmost placement, unchanged base first): chr11-19186344-GGGACCTGTT-G. GRCh37 (hg19) VCF-style: chr11-19207891-GGGACCTGTT-G.
Other names: c.113-5_116del (NM_001369404.1); c.282-5_285del (LRG_440t1).
Identifiers: ClinVar variation 44693 (VCV000044693.16), dbSNP rs397516855, ClinGen allele CA134890.

ClinVar aggregate classification (germline): Conflicting classifications of pathogenicity. Review status: criteria provided, conflicting classifications (1 of 4 stars). 6 submissions from 6 submitters: Likely pathogenic (1); Uncertain significance (3). 2 of the submissions do not count toward it. Last evaluated 2025-02-05.

Conditions:
Hypertrophic cardiomyopathy 12. Identifiers: MedGen C2677491, MONDO:0012804, OMIM 612124.
Dilated cardiomyopathy 1M (CMD1M). Identifiers: Orphanet 154, MedGen C1843808, MONDO:0011840, OMIM 607482.

Submissions (6):

Labcorp Genetics (formerly Invitae), Labcorp
Classification: Likely pathogenic for Hypertrophic cardiomyopathy 12; Dilated cardiomyopathy 1M. Last evaluated: 2025-02-05. Review status: criteria provided, single submitter. Criteria: Invitae Variant Classification Sherloc (09022015). Collection method: clinical testing. Allele origin: germline.
Comment: This variant results in the deletion of part of exon 5 (c.282-5_285del) of the CSRP3 gene. It is expected to disrupt RNA splicing. Variants that disrupt the donor or acceptor splice site typically lead to a loss of protein function (PMID: 16199547), and loss-of-function variants in CSRP3 are known to be pathogenic (PMID: 12642359, 14567970, 16352453, 20087448, 34558151). This variant is not present in population databases (gnomAD no frequency). This variant has been observed in individual(s) with hypertrophic cardiomyopathy (PMID: 27532257, 30847666). ClinVar contains an entry for this variant (Variation ID: 44693). In summary, the currently available evidence indicates that the variant is pathogenic, but additional data are needed to prove that conclusively. Therefore, this variant has been classified as Likely Pathogenic.

ARUP Laboratories, Molecular Genetics and Genomics, ARUP Laboratories
Classification: Uncertain significance. Last evaluated: 2024-10-02. Review status: criteria provided, single submitter. Criteria: ARUP Molecular Germline Variant Investigation Process 2024. Collection method: clinical testing. Allele origin: germline.
Comment: The CSRP3 c.282-5_285del variant (rs397516855, ClinVar Variation ID 44693) is reported in the literature in individuals hypertrophic or dilated cardiomyopathy (van Lint 2019, Walsh 2017). This variant is absent from the Genome Aggregation Database (v2.1.1), indicating it is not a common polymorphism. This variant deletes the canonical splice acceptor site of intron 4 as well as four nucleotides of exon 4, which is likely to negatively impact gene function. Loss of function variants in CSRP3 have been reported in individuals affected with hypertrophic cardiomyopathy, but the inheritance pattern is not clear (Huang 2022, Janin 2018, Lipari 2020, van Rijsingen 2009). Furthermore, the CSRP3 gene is not constrained; therefore, it is unclear if loss of function is an established disease mechanism. Based on available information, the clinical significance of this variant is uncertain at this time. References: Huang H et al. CSRP3, p.Arg122Ter, is responsible for hypertrophic cardiomyopathy in a Chinese family. J Gene Med. 2022 Jan;24(1):e3390. PMID: 34558151. Janin A et al. First identification of homozygous truncating CSRP3 variants in two unrelated cases with hypertrophic cardiomyopathy. Gene. 2018 Nov 15;676:110-116. PMID: 30012424. Lipari M et al. Identification of a variant hotspot in MYBPC3 and of a novel CSRP3 autosomal recessive alteration in a cohort of Polish patients with hypertrophic cardiomyopathy. Pol Arch Intern Med. 2020 Feb 27;130(2):89-99. PMID: 31919335. van Lint FHM et al. Large next-generation sequencing gene panels in genetic heart disease: yield of pathogenic variants and variants of unknown significance. Neth Heart J. 2019 Jun;27(6):304-309. PMID: 30847666. van Rijsingen IA et al. Hypertrophic cardiomyopathy family with double-heterozygous mutations; does disease severity suggest double heterozygosity? Neth Heart J. 2009 Dec;17(12):458-63. PMID: 20087448. Walsh R et al. Reassessment of Mendelian gene pathogenicity using 7,855 cardiomyopathy cases and 60,706 reference samples. Genet Med. 2017 Feb;19(2):192-203. PMID: 27532257.

AiLife Diagnostics
Classification: Uncertain significance. Last evaluated: 2021-12-03. Review status: criteria provided, single submitter. Criteria: ACMG Guidelines, 2015. Collection method: clinical testing. Allele origin: germline. Affected: yes. Observed: 2 variant alleles.

Laboratory for Molecular Medicine, Mass General Brigham Personalized Medicine
Classification: Uncertain significance. Last evaluated: 2012-03-08. Review status: criteria provided, single submitter. Criteria: LMM Criteria. Collection method: clinical testing. Allele origin: germline. Observed: 1 variant allele.
Comment: Variant classified as Uncertain Significance - Favor Pathogenic. The 282-5_285de lAACAGGTCC variant (CSRP3) has not been previously reported in the literature or been previously identified by our laboratory. This variant causes a deletion o f the invariant region of the splice consensus sequence and is predicted to caus e altered splicing leading to an abnormal or absent protein. The impact of loss of function variants in CSRP3 in relation to HCM is not well understood. In su mmary, although this variant may be pathogenic, additional studies are needed to fully assess its clinical significance.

Clinical Genetics DNA and cytogenetics Diagnostics Lab, Erasmus MC, Erasmus Medical Center
Classification: Uncertain significance. Review status: no assertion criteria provided. Collection method: clinical testing. Allele origin: germline. Affected: yes. Study: VKGL Data-share Consensus. Not counted in ClinVar's aggregate classification.

Clinical Genetics, Academic Medical Center
Classification: Uncertain significance. Review status: no assertion criteria provided. Collection method: clinical testing. Allele origin: germline. Affected: yes. Study: VKGL Data-share Consensus. Not counted in ClinVar's aggregate classification.

Literature cited by the submitters: PubMed 16199547 (cited by Labcorp Genetics (formerly Invitae), Labcorp); PubMed 12642359 (cited by Labcorp Genetics (formerly Invitae), Labcorp); PubMed 14567970 (cited by Labcorp Genetics (formerly Invitae), Labcorp); PubMed 16352453 (cited by Labcorp Genetics (formerly Invitae), Labcorp); PubMed 20087448 (cited by Labcorp Genetics (formerly Invitae), Labcorp); PubMed 34558151 (cited by Labcorp Genetics (formerly Invitae), Labcorp); PubMed 27532257 (cited by Labcorp Genetics (formerly Invitae), Labcorp and AiLife Diagnostics); PubMed 30847666 (cited by Labcorp Genetics (formerly Invitae), Labcorp).